The following is an entry in ClinVar:

ClinVar aggregate classification (germline): Uncertain significance (1 of 4 stars; one submission).

Conditions:
Intellectual developmental disorder, autosomal dominant 55, with seizures. Also called: MENTAL RETARDATION, AUTOSOMAL DOMINANT 55, WITH SEIZURES; Intellectual disability, autosomal dominant 55, with seizures. Identifiers: MedGen C4693371, MONDO:0030921, OMIM 617831.

Submission:

Neuberg Centre For Genomic Medicine, NCGM
Classification: Uncertain significance for Intellectual developmental disorder, autosomal dominant 55, with seizures. Last evaluated: 2024-02-01. Review status: criteria provided, single submitter. Criteria: ACMG Guidelines, 2015. Collection method: clinical testing. Allele origin: germline. Inheritance: Autosomal dominant inheritance.
Comment: The above variant in NUS1 gene has not been reported previously as a pathogenic variant nor as a benign variant, to our knowledge

NM_138459.5(NUS1):c.145C>A (p.Leu49Ile)

Gene: NUS1 (NUS1 dehydrodolichyl diphosphate synthase subunit; plus strand). Cytogenetic location: 6q22.1.
Variant type: single nucleotide variant.
Coding change: c.145C>A on transcript NM_138459.5 (MANE Select); coding-DNA position 145, C replaced by A.
Protein change: p.Leu49Ile; replaces leucine 49 with isoleucine.
Molecular consequence: missense variant.
Genome position (GRCh38, 1-based): chr6:117,675,815, C>A. VCF-style: chr6-117675815-C-A. GRCh37 (hg19) VCF-style: chr6-117996978-C-A.
Other names: short protein forms L49I.
Identifiers: ClinVar variation 3898057 (VCV003898057.1).